The following is an entry in ClinVar:

NM_006231.4(POLE):c.4942G>A (p.Glu1648Lys)

Gene: POLE (DNA polymerase epsilon, catalytic subunit; minus strand). Cytogenetic location: 12q24.33.
Variant type: single nucleotide variant.
Coding change: c.4942G>A on transcript NM_006231.4 (MANE Select); coding-DNA position 4942, G replaced by A.
Protein change: p.Glu1648Lys; replaces glutamic acid 1648 with lysine.
Molecular consequence: missense variant.
Genome position (GRCh38, 1-based): chr12:132,642,516, C>T on the plus strand (G>A on the coding strand, the complement: POLE is on the minus strand). VCF-style: chr12-132642516-C-T. GRCh37 (hg19) VCF-style: chr12-133219102-C-T.
Other names: short protein forms E1648K.
Identifiers: ClinVar variation 405752 (VCV000405752.12), dbSNP rs532781183, ClinGen allele CA6892677.

ClinVar aggregate classification (germline): Uncertain significance. Review status: criteria provided, multiple submitters, no conflicts (2 of 4 stars). 4 submissions from 4 submitters: Uncertain significance (4). Last evaluated 2025-12-29.

Conditions:
Hereditary cancer-predisposing syndrome. Also called: Hereditary neoplastic syndrome; Neoplastic Syndromes, Hereditary; Hereditary Cancer Syndrome; Tumor predisposition. Identifiers: Orphanet 140162, MedGen C0027672, MeSH D009386, MONDO:0015356.

Allele frequency attached by ClinVar (database versions not stated): ExAC 0.00001; gnomAD 0.00001; gnomAD exomes 0.00001 and 0.00002; TOPMed 0.00002.
gnomAD v4.1: 33 of 1,613,506 alleles (0.002%); highest among the groups gnomAD compares: Middle Eastern, 0.016%; no homozygotes.

Submissions (4):

Labcorp Genetics (formerly Invitae), Labcorp
Classification: Uncertain significance. Last evaluated: 2025-12-29. Review status: criteria provided, single submitter. Criteria: Invitae Variant Classification Sherloc (09022015). Collection method: clinical testing. Allele origin: germline.
Comment: This sequence change replaces glutamic acid, which is acidic and polar, with lysine, which is basic and polar, at codon 1648 of the POLE protein (p.Glu1648Lys). This variant is present in population databases (rs532781183, gnomAD 0.0009%). This variant has not been reported in the literature in individuals affected with POLE-related conditions. ClinVar contains an entry for this variant (Variation ID: 405752). Invitae Evidence Modeling of protein sequence and biophysical properties (such as structural, functional, and spatial information, amino acid conservation, physicochemical variation, residue mobility, and thermodynamic stability) indicates that this missense variant is not expected to disrupt POLE protein function with a negative predictive value of 80%. In summary, the available evidence is currently insufficient to determine the role of this variant in disease. Therefore, it has been classified as a Variant of Uncertain Significance.

Ambry Genetics
Classification: Uncertain significance for Hereditary cancer-predisposing syndrome. Last evaluated: 2025-01-17. Review status: criteria provided, single submitter. Criteria: Ambry Variant Classification Scheme 2023. Collection method: clinical testing. Allele origin: germline.
Comment: The p.E1648K variant (also known as c.4942G>A), located in coding exon 37 of the POLE gene, results from a G to A substitution at nucleotide position 4942. The glutamic acid at codon 1648 is replaced by lysine, an amino acid with similar properties. This amino acid position is well conserved in available vertebrate species. In addition, the in silico prediction for this alteration is inconclusive. Based on the available evidence, the clinical significance of this variant remains unclear.

Blueprint Genetics
Classification: Uncertain significance. Last evaluated: 2024-11-08. Review status: criteria provided, single submitter. Criteria: ACMG Guidelines, 2015. Collection method: clinical testing. Allele origin: germline.

GeneDx
Classification: Uncertain significance. Last evaluated: 2024-08-29. Review status: criteria provided, single submitter. Criteria: GeneDx Variant Classification Process June 2021. Collection method: clinical testing. Allele origin: germline. Affected: yes.
Comment: Not observed at significant frequency in large population cohorts (gnomAD); In silico analysis supports that this missense variant has a deleterious effect on protein structure/function; Has not been previously published as pathogenic or benign to our knowledge